The following is an entry in ClinVar:

ClinVar aggregate classification (germline): Conflicting classifications of pathogenicity. Review status: criteria provided, conflicting classifications (1 of 4 stars). 3 submissions from 3 submitters: Uncertain significance (2); Likely benign (1). Last evaluated 2025-12-15.

Conditions:
Epilepsy, progressive myoclonic, 1B. Also called: PME. Identifiers: Orphanet 308, MedGen C2676254, MONDO:0012904, OMIM 612437.

Allele frequency attached by ClinVar (database versions not stated): gnomAD exomes 0.00002 and 0.00003; TOPMed 0.00002; ExAC 0.00002; gnomAD 0.00003.
gnomAD v4.1: 47 of 1,614,020 alleles (0.0029%); highest among the groups gnomAD compares: Non-Finnish European, 0.0036%; no homozygotes.

Submissions (3):

Ambry Genetics
Classification: Uncertain significance. Last evaluated: 2025-12-15. Review status: criteria provided, single submitter. Criteria: Ambry Variant Classification Scheme 2023. Collection method: clinical testing. Allele origin: germline.

Labcorp Genetics (formerly Invitae), Labcorp
Classification: Uncertain significance for Epilepsy, progressive myoclonic, 1B. Last evaluated: 2021-12-20. Review status: criteria provided, single submitter. Criteria: Invitae Variant Classification Sherloc (09022015). Collection method: clinical testing. Allele origin: germline.
Comment: This sequence change replaces asparagine, which is neutral and polar, with serine, which is neutral and polar, at codon 662 of the PRICKLE1 protein (p.Asn662Ser). This variant is present in population databases (rs769599129, gnomAD 0.004%). This variant has not been reported in the literature in individuals affected with PRICKLE1-related conditions. ClinVar contains an entry for this variant (Variation ID: 206654). Algorithms developed to predict the effect of missense changes on protein structure and function (SIFT, PolyPhen-2, Align-GVGD) all suggest that this variant is likely to be tolerated. In summary, the available evidence is currently insufficient to determine the role of this variant in disease. Therefore, it has been classified as a Variant of Uncertain Significance.

GeneDx
Classification: Likely benign. Last evaluated: 2013-08-15. Review status: criteria provided, single submitter. Criteria: GeneDx Variant Classification (06012015). Collection method: clinical testing. Allele origin: germline. Affected: yes.
Comment: This variant is considered likely benign or benign based on one or more of the following criteria: it is a conservative change, it occurs at a poorly conserved position in the protein, it is predicted to be benign by multiple in silico algorithms, and/or has population frequency not consistent with disease.

NM_153026.3(PRICKLE1):c.1985A>G (p.Asn662Ser)

Gene: PRICKLE1 (prickle planar cell polarity protein 1; minus strand). Cytogenetic location: 12q12.
Variant type: single nucleotide variant.
Coding change: c.1985A>G on transcript NM_153026.3 (MANE Select); coding-DNA position 1985, A replaced by G.
Protein change: p.Asn662Ser; replaces asparagine 662 with serine.
Molecular consequence: missense variant.
Genome position (GRCh38, 1-based): chr12:42,460,320, T>C on the plus strand (A>G on the coding strand, the complement: PRICKLE1 is on the minus strand). VCF-style: chr12-42460320-T-C. GRCh37 (hg19) VCF-style: chr12-42854122-T-C.
Other names: p.N662S:AAT>AGT; c.1985A>G, p.Asn662Ser (NM_001144881.2, NM_001144882.2, NM_001144883.2); short protein forms N662S.
Identifiers: ClinVar variation 206654 (VCV000206654.7), dbSNP rs769599129, ClinGen allele CA316960.